The following is an entry in ClinVar:

ClinVar aggregate classification (germline): Uncertain significance (1 of 4 stars; one submission).

Allele frequency attached by ClinVar (database versions not stated): gnomAD 0.00001; TOPMed 0.00001.
gnomAD v4.1: 10 of 1,612,854 alleles (0.00062%); highest among the groups gnomAD compares: Middle Eastern, 0.016%; no homozygotes.

Submission:

Labcorp Genetics (formerly Invitae), Labcorp
Classification: Uncertain significance. Last evaluated: 2025-08-06. Review status: criteria provided, single submitter. Criteria: Invitae Variant Classification Sherloc (09022015). Collection method: clinical testing. Allele origin: germline.
Comment: The COL18A1 gene has multiple clinically relevant transcripts. This variant occurs in alternate transcript NM_030582.3, and corresponds to NM_130445.2:c.107-12258C>T in the primary transcript. This sequence change replaces leucine, which is neutral and non-polar, with phenylalanine, which is neutral and non-polar, at codon 152 of the COL18A1 protein (p.Leu152Phe). This variant is present in population databases (rs748188616, gnomAD 0.003%). This variant has not been reported in the literature in individuals affected with COL18A1-related conditions. ClinVar contains an entry for this variant (Variation ID: 1358627). Experimental studies and prediction algorithms are not available or were not evaluated, and the functional significance of this variant is currently unknown. Algorithms developed to predict the effect of sequence changes on RNA splicing suggest that this variant is not likely to affect RNA splicing. In summary, the available evidence is currently insufficient to determine the role of this variant in disease. Therefore, it has been classified as a Variant of Uncertain Significance.

NM_001379500.1(COL18A1):c.107-12258C>T

Gene: COL18A1 (collagen type XVIII alpha 1 chain; plus strand). Cytogenetic location: 21q22.3.
Variant type: single nucleotide variant.
Coding change: c.107-12258C>T on transcript NM_001379500.1 (MANE Select); 12258 bases into the intron before coding-DNA position 107, C replaced by T.
Molecular consequence: intron variant. On other transcripts: missense variant (2).
Genome position (GRCh38, 1-based): chr21:45,455,984, C>T. VCF-style: chr21-45455984-C-T. GRCh37 (hg19) VCF-style: chr21-46875898-C-T.
Other names: c.454C>T, p.Leu152Phe (NM_030582.4, NM_130444.3); short protein forms L152F.
Identifiers: ClinVar variation 1358627 (VCV001358627.4), dbSNP rs748188616, ClinGen allele CA10065481.